The following is an entry in ClinVar:

ClinVar aggregate classification (germline): Uncertain significance. Review status: criteria provided, multiple submitters, no conflicts (2 of 4 stars). 2 submissions from 2 submitters: Uncertain significance (2). Last evaluated 2025-06-03.

Conditions:
Encephalopathy, acute, infection-induced (herpes-specific), susceptibility to, 6. Also called: Herpes simplex encephalitis, susceptibility to, 4. Identifiers: Orphanet 1930, MedGen C3553869, MONDO:0013921, OMIM 614850.

Allele frequency attached by ClinVar (database versions not stated): ExAC 0.00002; gnomAD 0.00002; TOPMed 0.00002.
gnomAD v4.1: 25 of 1,613,648 alleles (0.0015%); highest among the groups gnomAD compares: South Asian, 0.0033%; no homozygotes.

Submissions (2):

Ambry Genetics
Classification: Uncertain significance. Last evaluated: 2025-06-03. Review status: criteria provided, single submitter. Criteria: Ambry Variant Classification Scheme 2023. Collection method: clinical testing. Allele origin: germline.

Labcorp Genetics (formerly Invitae), Labcorp
Classification: Uncertain significance for Encephalopathy, acute, infection-induced (herpes-specific), susceptibility to, 6. Last evaluated: 2022-08-04. Review status: criteria provided, single submitter. Criteria: Invitae Variant Classification Sherloc (09022015). Collection method: clinical testing. Allele origin: germline.
Comment: This sequence change replaces arginine, which is basic and polar, with glutamine, which is neutral and polar, at codon 143 of the TICAM1 protein (p.Arg143Gln). This variant is present in population databases (rs761271093, gnomAD 0.004%). This variant has not been reported in the literature in individuals affected with TICAM1-related conditions. Algorithms developed to predict the effect of missense changes on protein structure and function (SIFT, PolyPhen-2, Align-GVGD) all suggest that this variant is likely to be tolerated. In summary, the available evidence is currently insufficient to determine the role of this variant in disease. Therefore, it has been classified as a Variant of Uncertain Significance.

NM_182919.4(TICAM1):c.428G>A (p.Arg143Gln)

Gene: TICAM1 (TIR domain containing adaptor molecule 1; minus strand). Cytogenetic location: 19p13.3.
Variant type: single nucleotide variant.
Coding change: c.428G>A on transcript NM_182919.4 (MANE Select); coding-DNA position 428, G replaced by A.
Protein change: p.Arg143Gln; replaces arginine 143 with glutamine.
Molecular consequence: missense variant. On other transcripts: intron variant (1).
Genome position (GRCh38, 1-based): chr19:4,817,950, C>T on the plus strand (G>A on the coding strand, the complement: TICAM1 is on the minus strand). VCF-style: chr19-4817950-C-T. GRCh37 (hg19) VCF-style: chr19-4817962-C-T.
Other names: c.386G>A, p.Arg129Gln (NM_001385678.1); c.293G>A, p.Arg98Gln (NM_001385679.1); c.-71-144G>A (NM_001385680.1); c.428G>A (NM_182919.2); short protein forms R143Q, R98Q, R129Q.
Identifiers: ClinVar variation 2198381 (VCV002198381.3), dbSNP rs761271093, ClinGen allele CA9105354.
Genomic context (GRCh38, chr19:4,817,950, plus strand): 5'-CCCAGATTGGACTGGAGCGTCCGGATGCTCCCTGGATCCCCAGCAATGTCCCACCCACAC[C>T]GGTTTCGGGCCTCATCCTGAAGTTCCCCCAGCCGGTGGTCGTCCCTGGAGCTGAGGGTGC-3'
Protein context (NP_891549.1, residues 133-153): LGELQDEARN[Arg143Gln]CGWDIAGDPG